The following is an entry in ClinVar:

NM_001166108.2(PALLD):c.502C>G (p.Leu168Val)

Gene: PALLD (palladin, cytoskeletal associated protein; plus strand). Cytogenetic location: 4q32.3.
Variant type: single nucleotide variant.
Coding change: c.502C>G on transcript NM_001166108.2 (MANE Select); coding-DNA position 502, C replaced by G.
Protein change: p.Leu168Val; replaces leucine 168 with valine.
Molecular consequence: missense variant.
Genome position (GRCh38, 1-based): chr4:168,512,006, C>G. VCF-style: chr4-168512006-C-G. GRCh37 (hg19) VCF-style: chr4-169433157-C-G.
Other names: NC_000004.11:g.169433157C>G; c.502C>G, p.Leu168Val (NM_016081.4); short protein forms L168V.
Identifiers: ClinVar variation 348031 (VCV000348031.10), dbSNP rs115607645, ClinGen allele CA3135385.

ClinVar aggregate classification (germline): Conflicting classifications of pathogenicity. Review status: criteria provided, conflicting classifications (1 of 4 stars). 4 submissions from 4 submitters: Uncertain significance (1); Benign (2); Likely benign (1). Last evaluated 2023-07-07.

Conditions:
Pancreatic cancer, susceptibility to, 1. Identifiers: Orphanet 1333, MedGen C1847351, MONDO:0011739, OMIM 606856.

Allele frequency attached by ClinVar (database versions not stated): gnomAD exomes 0.00029 and 0.00079; ExAC 0.00095; gnomAD 0.00288 and 0.00299; TOPMed 0.00322; 1000 Genomes Project 30x 0.00328; 1000 Genomes Project 0.00339; ESP Exome Variant Server 0.00346.
gnomAD v4.1: 904 of 1,614,224 alleles (0.056%); highest among the groups gnomAD compares: African/African-American, 0.96%; 2 homozygotes.

Submissions (5):

KCCC/NGS Laboratory, Kuwait Cancer Control Center
Classification: Likely benign for Pancreatic cancer, susceptibility to, 1. Last evaluated: 2023-07-07. Review status: criteria provided, single submitter. Criteria: ACMG Guidelines, 2015. Collection method: clinical testing. Allele origin: germline. Affected: yes.

Ambry Genetics
Classification: Uncertain significance. Last evaluated: 2022-09-08. Review status: criteria provided, single submitter. Criteria: Ambry Variant Classification Scheme 2023. Collection method: clinical testing. Allele origin: germline.
Comment: The p.L168V variant (also known as c.502C>G), located in coding exon 1 of the PALLD gene, results from a C to G substitution at nucleotide position 502. The leucine at codon 168 is replaced by valine, an amino acid with highly similar properties. This amino acid position is conserved. In addition, this alteration is predicted to be tolerated by in silico analysis. Since supporting evidence is limited at this time, the clinical significance of this alteration remains unclear.

Illumina Laboratory Services, Illumina
Classification: Benign for Pancreatic cancer, susceptibility to, 1. Last evaluated: 2018-01-13. Review status: criteria provided, single submitter. Criteria: ICSL Variant Classification Criteria 13 December 2019. Collection method: clinical testing. Allele origin: germline.
Comment: This variant was observed in the ICSL laboratory as part of a predisposition screen in an ostensibly healthy population. It had not been previously curated by ICSL or reported in the Human Gene Mutation Database (HGMD: prior to June 1st, 2018), and was therefore a candidate for classification through an automated scoring system. Utilizing variant allele frequency, disease prevalence and penetrance estimates, and inheritance mode, an automated score was calculated to assess if this variant is too frequent to cause the disease. Based on the score and internal cut-off values, a variant classified as benign is not then subjected to further curation. The score for this variant resulted in a classification of benign for this disease.

Breakthrough Genomics
Classification: Benign. Review status: criteria provided, single submitter. Criteria: ACMG Guidelines, 2015. Collection method: not provided. Allele origin: germline. Inheritance: Autosomal dominant inheritance. Affected: yes.

Dr. Peter K. Rogan Lab, Western University
No classification provided (evidence only). Condition: Ovarian serous cystadenocarcinoma. Review status: no classification provided. Collection method: in vitro. Allele origin: not applicable. Functional consequence: retained intron. Not counted in ClinVar's aggregate classification.